The following is an entry in ClinVar:

NM_001184.4(ATR):c.1196C>A (p.Ala399Asp)

Gene: ATR (ATR checkpoint kinase; minus strand). Cytogenetic location: 3q23.
Variant type: single nucleotide variant.
Coding change: c.1196C>A on transcript NM_001184.4 (MANE Select); coding-DNA position 1196, C replaced by A.
Protein change: p.Ala399Asp; replaces alanine 399 with aspartic acid.
Molecular consequence: missense variant.
Genome position (GRCh38, 1-based): chr3:142,561,396, G>T on the plus strand (C>A on the coding strand, the complement: ATR is on the minus strand). VCF-style: chr3-142561396-G-T. GRCh37 (hg19) VCF-style: chr3-142280238-G-T.
Other names: c.1196C>A, p.Ala399Asp (NM_001354579.2); short protein forms A399D.
Identifiers: ClinVar variation 2613994 (VCV002613994.2), dbSNP rs2473421873, ClinGen allele CA354823450.

ClinVar aggregate classification (germline): Uncertain significance (1 of 4 stars; one submission).

Conditions:
Inborn genetic diseases. Identifiers: MedGen C0950123, MeSH D030342.

Submission:

Ambry Genetics
Classification: Uncertain significance for Inborn genetic diseases. Last evaluated: 2023-08-01. Review status: criteria provided, single submitter. Criteria: Ambry Variant Classification Scheme 2023. Collection method: clinical testing. Allele origin: germline.
Comment: The p.A399D variant (also known as c.1196C>A), located in coding exon 5 of the ATR gene, results from a C to A substitution at nucleotide position 1196. The alanine at codon 399 is replaced by aspartic acid, an amino acid with dissimilar properties. This amino acid position is conserved. In addition, this alteration is predicted to be tolerated by in silico analysis. Since supporting evidence is limited at this time, the clinical significance of this alteration remains unclear.